The following is an entry in ClinVar:

NM_004614.5(TK2):c.215A>G (p.Asn72Ser)

Gene: TK2 (thymidine kinase 2; minus strand). Cytogenetic location: 16q21.
Variant type: single nucleotide variant.
Coding change: c.215A>G on transcript NM_004614.5 (MANE Select); coding-DNA position 215, A replaced by G.
Protein change: p.Asn72Ser; replaces asparagine 72 with serine.
Molecular consequence: missense variant. On other transcripts: 5 prime UTR variant (1), non-coding transcript variant (1), intron variant (1).
Genome position (GRCh38, 1-based): chr16:66,541,895, T>C on the plus strand (A>G on the coding strand, the complement: TK2 is on the minus strand). VCF-style: chr16-66541895-T-C. GRCh37 (hg19) VCF-style: chr16-66575798-T-C.
Other names: c.122A>G, p.Asn41Ser (NM_001172643.1, NM_001271935.1); c.215A>G, p.Asn72Ser (NM_001172645.2); c.68A>G, p.Asn23Ser (NM_001271934.2); c.-77A>G (NM_001272050.2); c.157-4878A>G (NM_001172644.2); short protein forms N41S, N23S, N72S.
Identifiers: ClinVar variation 1905846 (VCV001905846.3), dbSNP rs761001323, ClinGen allele CA8093764.

ClinVar aggregate classification (germline): Uncertain significance (1 of 4 stars; one submission).

Allele frequency attached by ClinVar (database versions not stated): gnomAD exomes below 0.00001; ExAC 0.00001; gnomAD 0.00001.
gnomAD v4.1: 5 of 1,614,058 alleles (0.00031%); highest among the groups gnomAD compares: African/African-American, 0.0013%; no homozygotes.

Submissions (2):

Labcorp Genetics (formerly Invitae), Labcorp
Classification: Uncertain significance. Last evaluated: 2021-12-24. Review status: criteria provided, single submitter. Criteria: Invitae Variant Classification Sherloc (09022015). Collection method: clinical testing. Allele origin: germline.
Comment: This sequence change replaces asparagine, which is neutral and polar, with serine, which is neutral and polar, at codon 72 of the TK2 protein (p.Asn72Ser). This variant is present in population databases (rs761001323, gnomAD 0.007%). This variant has not been reported in the literature in individuals affected with TK2-related conditions. Advanced modeling of protein sequence and biophysical properties (such as structural, functional, and spatial information, amino acid conservation, physicochemical variation, residue mobility, and thermodynamic stability) performed at Invitae indicates that this missense variant is not expected to disrupt TK2 protein function. Algorithms developed to predict the effect of sequence changes on RNA splicing suggest that this variant may create or strengthen a splice site. In summary, the available evidence is currently insufficient to determine the role of this variant in disease. Therefore, it has been classified as a Variant of Uncertain Significance.

Dr. Peter K. Rogan Lab, Western University
No classification provided (evidence only). Condition: Clear cell carcinoma of kidney. Review status: no classification provided. Collection method: in vitro. Allele origin: not applicable. Functional consequence: skipped exon. Not counted in ClinVar's aggregate classification.